The following is an entry in ClinVar:

NM_000038.6(APC):c.4568_4570del (p.Arg1523del)

Gene: APC (APC regulator of Wnt signaling pathway; plus strand). Cytogenetic location: 5q22.2.
Variant type: Deletion.
Coding change: c.4568_4570del on transcript NM_000038.6 (MANE Select); coding-DNA positions 4568 to 4570, 3 bases deleted (GAA; older notation c.4568_4570delGAA).
Protein change: p.Arg1523del; deletes arginine 1523.
Molecular consequence: inframe deletion. On other transcripts: non-coding transcript variant (2).
Genome position (GRCh38, 1-based): chr5:112,840,162-112,840,164, GAA deleted; deleting any 3 consecutive bases within chr5:112,840,160-112,840,164 gives the same sequence; the c. name uses the placement nearest the transcript's 3' end. VCF-style (leftmost placement, unchanged base first): chr5-112840159-TAAG-T. GRCh37 (hg19) VCF-style: chr5-112175856-TAAG-T.
Other names: c.4568_4570del, p.Arg1523del (NM_001127510.3, NM_001354895.2, NM_001407450.1); c.4514_4516del, p.Arg1505del (NM_001127511.3); c.4622_4624del, p.Arg1541del (NM_001354896.2, NM_001407447.1, NM_001407448.1 and 1 more transcripts); c.4598_4600del, p.Arg1533del (NM_001354897.2); c.4493_4495del, p.Arg1498del (NM_001354898.2); c.4484_4486del, p.Arg1495del (NM_001354899.2); c.4445_4447del, p.Arg1482del (NM_001354900.2); c.4391_4393del, p.Arg1464del (NM_001354901.2, NM_001407453.1); and 11 more; short protein forms R1363del, R1394del, R1541del, R1551del, R1397del, R1464del, R1482del, R1513del.
Identifiers: ClinVar variation 2894799 (VCV002894799.3), dbSNP rs2533583114, ClinGen allele CA2739273278.
Genomic context (GRCh38, chr5:112,840,159, plus strand): 5'-GTTCATCCAGCCTGAGTGCTCTGAGCCTCGATGAGCCATTTATACAGAAAGATGTGGAAT[TAAG>T]AATAATGCCTCCAGTTCAGGAAAATGACAATGGGAATGAAACAGAATCAGAGCAGCCTAA-3'

ClinVar aggregate classification (germline): Uncertain significance (1 of 4 stars; one submission).

Conditions:
Familial adenomatous polyposis 1 (FAP1). Also called: POLYPOSIS, ADENOMATOUS INTESTINAL; FAMILIAL ADENOMATOUS POLYPOSIS 1, ATTENUATED. Identifiers: MedGen C2713442, MONDO:0021056, OMIM 175100. Disease mechanism: loss of function.

Submission:

Labcorp Genetics (formerly Invitae), Labcorp
Classification: Uncertain significance for Familial adenomatous polyposis 1. Last evaluated: 2023-08-01. Review status: criteria provided, single submitter. Criteria: Invitae Variant Classification Sherloc (09022015). Collection method: clinical testing. Allele origin: germline.
Comment: Experimental studies and prediction algorithms are not available or were not evaluated, and the functional significance of this variant is currently unknown. In summary, the available evidence is currently insufficient to determine the role of this variant in disease. Therefore, it has been classified as a Variant of Uncertain Significance. This variant, c.4568_4570del, results in the deletion of 1 amino acid(s) of the APC protein (p.Arg1523del), but otherwise preserves the integrity of the reading frame. This variant is not present in population databases (gnomAD no frequency). This variant has not been reported in the literature in individuals affected with APC-related conditions.